The following is an entry in ClinVar:

NM_033305.3(VPS13A):c.4715del (p.Asn1572fs)

Gene: VPS13A (vacuolar protein sorting 13 homolog A; plus strand). Cytogenetic location: 9q21.2.
Variant type: Deletion.
Coding change: c.4715del on transcript NM_033305.3 (MANE Select); coding-DNA position 4715, one base deleted (A; older notation c.4715delA).
Protein change: p.Asn1572fs; shifts the reading frame from asparagine 1572.
Molecular consequence: frameshift variant.
Genome position (GRCh38, 1-based): chr9:77,316,258, A deleted; the last of 6 consecutive A bases (chr9:77,316,253-77,316,258); deleting any one gives the same sequence. VCF-style (leftmost placement, unchanged base first): chr9-77316252-CA-C. GRCh37 (hg19) VCF-style: chr9-79931168-CA-C.
Other names: c.4598del, p.Asn1533fs (NM_001018037.2); c.4715del, p.Asn1572fs (NM_001018038.3, NM_015186.4); short protein forms N1533fs, N1572fs.
Identifiers: ClinVar variation 1342883 (VCV001342883.1), dbSNP rs2131432786, ClinGen allele CA2573053190.

ClinVar aggregate classification (germline): Likely pathogenic (1 of 4 stars; one submission).

Conditions:
VPS13A-related neurodegenerative disease. Also called: VPS13A Disease; LEVINE-CRITCHLEY SYNDROME; Choreoacanthocytosis; Chorea-acanthocytosis; ACANTHOCYTOSIS WITH NEUROLOGIC DISORDER; Choreaacanthocytosis. Identifiers: Orphanet 2388, MedGen C0393576, MONDO:0008695, OMIM 200150.

Submission:

Institute of Human Genetics, University of Leipzig Medical Center
Classification: Likely pathogenic for VPS13A-related neurodegenerative disease. Last evaluated: 2022-02-02. Review status: criteria provided, single submitter. Criteria: ACMG Guidelines, 2015. Collection method: clinical testing. Allele origin: unknown. Affected: yes.
Comment: This variant was identified as compound heterozygous with NM_033305.3:c.7489C>T._x000D_ Criteria applied: PVS1, PM2_SUP